The following is an entry in ClinVar:

ClinVar aggregate classification (germline): Uncertain significance (1 of 4 stars; one submission).

Conditions:
Familial Mediterranean fever (FMF). Also called: POLYSEROSITIS, FAMILIAL PAROXYSMAL; POLYSEROSITIS, RECURRENT; Periodic peritonitis; Benign paroxysmal peritonitis. Identifiers: Orphanet 342, MedGen C0031069, MONDO:0018088, OMIM 249100. Disease mechanism: gain of function.

Allele frequency attached by ClinVar (database versions not stated): gnomAD exomes below 0.00001.

Submission:

Labcorp Genetics (formerly Invitae), Labcorp
Classification: Uncertain significance for Familial Mediterranean fever. Last evaluated: 2022-06-25. Review status: criteria provided, single submitter. Criteria: Invitae Variant Classification Sherloc (09022015). Collection method: clinical testing. Allele origin: germline.
Comment: This variant has not been reported in the literature in individuals affected with MEFV-related conditions. This sequence change falls in intron 6 of the MEFV gene. It does not directly change the encoded amino acid sequence of the MEFV protein. It affects a nucleotide within the consensus splice site. This variant is present in population databases (no rsID available, gnomAD 0.003%). Variants that disrupt the consensus splice site are a relatively common cause of aberrant splicing (PMID: 17576681, 9536098). Algorithms developed to predict the effect of sequence changes on RNA splicing suggest that this variant is not likely to affect RNA splicing. In summary, the available evidence is currently insufficient to determine the role of this variant in disease. Therefore, it has been classified as a Variant of Uncertain Significance.

Literature cited by the submitters: PubMed 17576681; PubMed 9536098.

NM_000243.3(MEFV):c.1610+5_1610+6insACCT

Gene: MEFV (MEFV innate immunity regulator, pyrin; minus strand). Cytogenetic location: 16p13.3.
Variant type: Insertion.
Coding change: c.1610+5_1610+6insACCT on transcript NM_000243.3 (MANE Select); bases 5 to 6 of the intron after coding-DNA position 1610, ACCT inserted.
Molecular consequence: intron variant.
Genome position: GRCh38 VCF-style: chr16-3246519-C-CAGGT. GRCh37 (hg19) VCF-style: chr16-3296519-C-CAGGT.
Other names: c.977+5_977+6insACCT (NM_001198536.2).
Identifiers: ClinVar variation 1960905 (VCV001960905.5), dbSNP rs1238009232, ClinGen allele CA620434110.
Genomic context (GRCh38, chr16:3,246,519, plus strand): 5'-TGGGACTGTCTCCCCCATATGCTTTCTGCAAGACACCCCAGGGTACACCACAGGACCTCG[C>CAGGT]TGTACCTGTGCAAGATGTCTCCAATGTCCTAGGAGAAAAAAGAAGGAAACTGTCGGTTAC-3'